The following is an entry in ClinVar:

NM_000535.7(PMS2):c.1541A>C (p.His514Pro)

Gene: PMS2 (PMS1 homolog 2, mismatch repair system component; minus strand). Cytogenetic location: 7p22.1.
Variant type: single nucleotide variant.
Coding change: c.1541A>C on transcript NM_000535.7 (MANE Select); coding-DNA position 1541, A replaced by C.
Protein change: p.His514Pro; replaces histidine 514 with proline.
Molecular consequence: missense variant. On other transcripts: non-coding transcript variant (1).
Genome position (GRCh38, 1-based): chr7:5,987,224, T>G on the plus strand (A>C on the coding strand, the complement: PMS2 is on the minus strand). VCF-style: chr7-5987224-T-G. GRCh37 (hg19) VCF-style: chr7-6026855-T-G.
Other names: c.1136A>C, p.His379Pro (NM_001322003.2, NM_001322004.2, NM_001322005.2 and 1 more transcripts); c.1385A>C, p.His462Pro (NM_001322006.2); c.1223A>C, p.His408Pro (NM_001322007.2, NM_001322008.2); c.980A>C, p.His327Pro (NM_001322010.2); c.608A>C, p.His203Pro (NM_001322011.2, NM_001322012.2); c.968A>C, p.His323Pro (NM_001322013.2); c.1541A>C, p.His514Pro (NM_001322014.2); c.1232A>C, p.His411Pro (NM_001322015.2); short protein forms H203P, H379P, H323P, H411P, H514P, H327P, H408P, H462P.
Identifiers: ClinVar variation 1417094 (VCV001417094.8), dbSNP rs2128728425, ClinGen allele CA366741632.

ClinVar aggregate classification (germline): Uncertain significance (1 of 4 stars; one submission).

Conditions:
Hereditary nonpolyposis colorectal neoplasms. Identifiers: MedGen C0009405, MeSH D003123.

Submission:

Labcorp Genetics (formerly Invitae), Labcorp
Classification: Uncertain significance for Hereditary nonpolyposis colorectal neoplasms. Last evaluated: 2022-05-17. Review status: criteria provided, single submitter. Criteria: Invitae Variant Classification Sherloc (09022015). Collection method: clinical testing. Allele origin: germline.
Comment: This sequence change replaces histidine, which is basic and polar, with proline, which is neutral and non-polar, at codon 514 of the PMS2 protein (p.His514Pro). In summary, the available evidence is currently insufficient to determine the role of this variant in disease. Therefore, it has been classified as a Variant of Uncertain Significance. Advanced modeling of protein sequence and biophysical properties (such as structural, functional, and spatial information, amino acid conservation, physicochemical variation, residue mobility, and thermodynamic stability) performed at Invitae indicates that this missense variant is not expected to disrupt PMS2 protein function. This variant has not been reported in the literature in individuals affected with PMS2-related conditions. This variant is not present in population databases (gnomAD no frequency).